The following is an entry in ClinVar:

ClinVar aggregate classification (germline): Likely pathogenic. Review status: criteria provided, single submitter (1 of 4 stars). 2 submissions from 2 submitters: Likely pathogenic (1). 1 of the submissions does not count toward it.

Conditions:
Fumarase deficiency (FMRD). Also called: Fumaric aciduria; Fumarate Hydratase Deficiency. Identifiers: Orphanet 24, MedGen C0342770, MONDO:0011730, OMIM 606812.
Hereditary leiomyomatosis and renal cell cancer. Also called: LEIOMYOMA, MULTIPLE CUTANEOUS; FH tumor predisposition syndrome; MULTIPLE CUTANEOUS AND UTERINE LEIOMYOMATA 1, WITH OR WITHOUT RENAL CELL CARCINOMA; Multiple cutaneous leiomyomas; Familial leiomyomatosis; Reed syndrome. Identifiers: Orphanet 523, MedGen C1708350, MONDO:0007888, OMIM 150800, HP:0007437. Disease mechanism: loss of function.

gnomAD v4.1: 1 of 1,613,780 alleles (0.000062%); highest among the groups gnomAD compares: Non-Finnish European, 0.000085%; no homozygotes.

Submissions (2):

Juno Genomics, Hangzhou Juno Genomics, Inc
Classification: Likely pathogenic for Hereditary leiomyomatosis and renal cell cancer. Review status: criteria provided, single submitter. Criteria: ACMG Guidelines, 2015. Collection method: clinical testing. Allele origin: germline.
Comment: Null variant in a gene where loss of function (LOF) is a known mechanism of disease.;Absent from controls (or at extremely low frequency if recessive) in Genome Aggregation Database.

Department of Genetics, Suzhou Beikang Medical Laboratory
Classification: Likely pathogenic for Fumarase deficiency; Hereditary leiomyomatosis and renal cell cancer. Last evaluated: 2024-10-31. Review status: no assertion criteria provided. Collection method: clinical testing. Allele origin: germline. Affected: no. Not counted in ClinVar's aggregate classification.
Comment: In summary, the currently available evidence indicates that the variant is Likely pathogenic, but additional data are needed to prove that conclusively. Therefore, this variant has been classified as Likely Pathogenic. Algorithms developed to predict the effect of sequence changes on RNA splicing suggest that this variant may disrupt the consensus splice site. This variant has not been reported in the literature in individuals affected with FH-related conditions. This variant is not present in population databases (ExAC no frequency). This sequence change affects a donor splice site in intron 6 of the FH gene. It is expected to disrupt RNA splicing. Variants that disrupt the donor or acceptor splice site typically lead to a loss of protein function (PMID: 16199547), and loss-of-function variants in FH are known to be pathogenic (PMID: 21841779, 26827111).

NM_000143.4(FH):c.904+2T>C

Gene: FH (fumarate hydratase; minus strand). Cytogenetic location: 1q43.
Variant type: single nucleotide variant.
Coding change: c.904+2T>C on transcript NM_000143.4 (MANE Select); the canonical splice donor site of the intron after coding-DNA position 904, T replaced by C.
Molecular consequence: splice donor variant.
Genome position (GRCh38, 1-based): chr1:241,506,001, A>G on the plus strand (T>C on the coding strand, the complement: FH is on the minus strand). VCF-style: chr1-241506001-A-G. GRCh37 (hg19) VCF-style: chr1-241669301-A-G.
Identifiers: ClinVar variation 3370417 (VCV003370417.3).